The following is an entry in ClinVar:

NM_000127.3(EXT1):c.1461_1465del (p.Thr488fs)

Gene: EXT1 (exostosin glycosyltransferase 1; minus strand). Cytogenetic location: 8q24.11.
Variant type: Deletion.
Coding change: c.1461_1465del on transcript NM_000127.3 (MANE Select); coding-DNA positions 1461 to 1465, 5 bases deleted (GACCC; older notation c.1461_1465delGACCC).
Protein change: p.Thr488fs; shifts the reading frame from threonine 488.
Molecular consequence: frameshift variant.
Genome position (GRCh38, 1-based): chr8:117,819,747-117,819,751, GGGTC deleted on the plus strand (GACCC on the coding strand, the reverse complement: EXT1 is on the minus strand). VCF-style (leftmost placement, unchanged base first): chr8-117819746-GGGGTC-G. GRCh37 (hg19) VCF-style: chr8-118831985-GGGGTC-G.
Other names: short protein forms T488fs.
Identifiers: ClinVar variation 818006 (VCV000818006.1), dbSNP rs1586996629, ClinGen allele CA915948696.

ClinVar aggregate classification (germline): Pathogenic (1 of 4 stars; one submission).

Submission:

GeneDx
Classification: Pathogenic. Last evaluated: 2019-02-05. Review status: criteria provided, single submitter. Criteria: GeneDx Variant Classification (06012015). Collection method: clinical testing. Allele origin: germline. Affected: yes.
Comment: The c.1461_1465delGACCC variant has not been published as a pathogenic variant, nor has it been reported as a benign variant to our knowledge. This variant causes a frameshift starting with codon Threonine 488, changes this amino acid to a Proline residue and creates a premature Stop codon at position 31 of the new reading frame, denoted p.Thr488ProfsX31. This variant is predicted to cause loss of normal protein function either through protein truncation or nonsense-mediated mRNA decay. The c.1461_1465delGACCC variant is not observed in large population cohorts (Lek et al., 2016). We consider this variant to be pathogenic.